The following is an entry in ClinVar:

ClinVar aggregate classification (germline): Uncertain significance (1 of 4 stars; one submission).

Conditions:
Familial adenomatous polyposis 1 (FAP1). Also called: FAMILIAL ADENOMATOUS POLYPOSIS 1, ATTENUATED; POLYPOSIS, ADENOMATOUS INTESTINAL. Identifiers: MedGen C2713442, MONDO:0021056, OMIM 175100. Disease mechanism: loss of function.

Allele frequency attached by ClinVar (database versions not stated): gnomAD exomes below 0.00001; gnomAD 0.00001.

Submission:

Labcorp Genetics (formerly Invitae), Labcorp
Classification: Uncertain significance for Familial adenomatous polyposis 1. Last evaluated: 2025-09-22. Review status: criteria provided, single submitter. Criteria: Invitae Variant Classification Sherloc (09022015). Collection method: clinical testing. Allele origin: germline.
Comment: This variant occurs in a non-coding region of the APC gene. It does not change the encoded amino acid sequence of the APC protein. This variant is not present in population databases (gnomAD no frequency). This variant has not been reported in the literature in individuals affected with APC-related conditions. ClinVar contains an entry for this variant (Variation ID: 469872). Experimental studies and prediction algorithms are not available or were not evaluated, and the functional significance of this variant is currently unknown. In summary, the available evidence is currently insufficient to determine the role of this variant in disease. Therefore, it has been classified as a Variant of Uncertain Significance.

NC_000005.10:g.112707457T>C

Gene: APC (APC regulator of Wnt signaling pathway; plus strand). Cytogenetic location: 5q22.2.
Variant type: single nucleotide variant.
Genome position: GRCh38 VCF-style: chr5-112707457-T-C. GRCh37 (hg19) VCF-style: chr5-112043154-T-C.
Identifiers: ClinVar variation 469872 (VCV000469872.11), dbSNP rs1312495728, ClinGen allele CA658655877.